The following is an entry in ClinVar:

ClinVar aggregate classification (germline): Conflicting classifications of pathogenicity. Review status: criteria provided, conflicting classifications (1 of 4 stars). 4 submissions from 4 submitters: Uncertain significance (3); Likely benign (1). Last evaluated 2023-11-03.

Allele frequency attached by ClinVar (database versions not stated): gnomAD exomes 0.00003 and 0.00005; ExAC 0.00006.
gnomAD v4.1: 45 of 1,607,062 alleles (0.0028%); highest among the groups gnomAD compares: South Asian, 0.049%; no homozygotes.

Submissions (4):

Revvity Omics, Revvity
Classification: Uncertain significance. Last evaluated: 2023-11-03. Review status: criteria provided, single submitter. Criteria: ACMG Guidelines, 2015. Collection method: clinical testing. Allele origin: germline.

Blueprint Genetics
Classification: Likely benign. Last evaluated: 2020-02-25. Review status: criteria provided, single submitter. Criteria: ACMG Guidelines, 2015. Collection method: clinical testing. Allele origin: germline.

Genetic Services Laboratory, University of Chicago
Classification: Uncertain significance. Last evaluated: 2015-04-10. Review status: criteria provided, single submitter. Criteria: ACMG Guidelines, 2015. Collection method: clinical testing. Allele origin: germline.

Laboratory for Molecular Medicine, Mass General Brigham Personalized Medicine
Classification: Uncertain significance. Last evaluated: 2014-09-24. Review status: criteria provided, single submitter. Criteria: LMM Criteria. Collection method: clinical testing. Allele origin: germline. Observed: 1 variant allele.
Comment: The Ala16198Pro variant in TTN has not been previously reported in individuals w ith cardiomyopathy and was absent from large population studies. Computational p rediction tools and evolutionary conservation analysis suggest that this variant may impact the protein, though this information is not predictive enough to det ermine pathogenicity. In summary, the clinical significance of the Ala16198Pro v ariant is uncertain.

NM_001267550.2(TTN):c.56296G>C (p.Ala18766Pro)

Genes: TTN (titin; minus strand), TTN-AS1 (TTN antisense RNA 1; plus strand). Cytogenetic location: 2q31.2.
Variant type: single nucleotide variant.
Coding change: c.56296G>C on transcript NM_001267550.2 (MANE Select); coding-DNA position 56296, G replaced by C.
Protein change: p.Ala18766Pro; replaces alanine 18766 with proline.
Molecular consequence: missense variant. On other transcripts: non-coding transcript variant (1).
Genome position (GRCh38, 1-based): chr2:178,599,605, C>G on the plus strand (G>C on the coding strand, the complement: TTN is on the minus strand). VCF-style: chr2-178599605-C-G. GRCh37 (hg19) VCF-style: chr2-179464332-C-G.
Other names: c.48592G>C, p.Ala16198Pro (NM_133378.4); c.51373G>C, p.Ala17125Pro (NM_001256850.1); c.29101G>C, p.Ala9701Pro (NM_003319.4); c.29476G>C, p.Ala9826Pro (NM_133432.3); c.29677G>C, p.Ala9893Pro (NM_133437.4); short protein forms A16198P, A18766P, A9826P, A9893P, A17125P, A9701P.
Identifiers: ClinVar variation 179990 (VCV000179990.12), dbSNP rs727505268, ClinGen allele CA185591.
Genomic context (GRCh38, chr2:178,599,605, plus strand): 5'-AGTCTTTACCCAGGACATTCAGTCTCATCTCCTTTGATGCTGTTCCCAGATTATTTACAG[C>G]TGTGATGGTATATAAGCCAGTGTCACTCCTGCGAGACTGCGGAATAACTAAAGTGCAAGT-3'
Protein context (NP_001254479.2, residues 18756-18776): RSDTGLYTIT[Ala18766Pro]VNNLGTASKE